The following is an entry in ClinVar:

NM_014915.3(ANKRD26):c.3765G>C (p.Glu1255Asp)

Gene: ANKRD26 (ankyrin repeat domain 26; minus strand). Cytogenetic location: 10p12.1.
Variant type: single nucleotide variant.
Coding change: c.3765G>C on transcript NM_014915.3 (MANE Select); coding-DNA position 3765, G replaced by C.
Protein change: p.Glu1255Asp; replaces glutamic acid 1255 with aspartic acid.
Molecular consequence: missense variant.
Genome position (GRCh38, 1-based): chr10:27,033,267, C>G on the plus strand (G>C on the coding strand, the complement: ANKRD26 is on the minus strand). VCF-style: chr10-27033267-C-G. GRCh37 (hg19) VCF-style: chr10-27322196-C-G.
Other names: c.3762G>C, p.Glu1254Asp (NM_001256053.2); short protein forms E1254D, E1255D.
Identifiers: ClinVar variation 3594354 (VCV003594354.3).
Genomic context (GRCh38, chr10:27,033,267, plus strand): 5'-GTTAAATTTCATACATACTTGATTTCTGATTTGACCTAATTTCTTCTTTAAATCCTGTGT[C>G]TCATCTTCTAAATTAATACGATAACGTGACGTAACCTCCAGTGAAGCCTCTGACATAGAT-3'
Protein context (NP_055730.2, residues 1245-1265): TSRYRINLED[Glu1255Asp]TQDLKKKLGQ

ClinVar aggregate classification (germline): Uncertain significance. Review status: criteria provided, multiple submitters, no conflicts (2 of 4 stars). 3 submissions from 3 submitters: Uncertain significance (3). Last evaluated 2025-03-14.

Conditions:
Inborn genetic diseases. Identifiers: MedGen C0950123, MeSH D030342.
Thrombocytopenia 2 (THC2). Also called: ANKRD26-Related Thrombocytopenia. Identifiers: Orphanet 268322, MedGen C1861185, MONDO:0008555, OMIM 188000.

gnomAD v4.1: 2 of 1,612,256 alleles (0.00012%); highest among the groups gnomAD compares: Middle Eastern, 0.017%; no homozygotes.

Submissions (3):

Ambry Genetics
Classification: Uncertain significance for Inborn genetic diseases. Last evaluated: 2025-03-14. Review status: criteria provided, single submitter. Criteria: Ambry Variant Classification Scheme 2023. Collection method: clinical testing. Allele origin: germline.
Comment: The p.E1255D variant (also known as c.3765G>C), located in coding exon 25 of the ANKRD26 gene, results from a G to C substitution at nucleotide position 3765. The glutamic acid at codon 1255 is replaced by aspartic acid, an amino acid with highly similar properties. This amino acid position is conserved. In addition, this alteration is predicted to be tolerated by in silico analysis. Based on the available evidence, the clinical significance of this variant remains unclear.

Revvity Omics, Revvity
Classification: Uncertain significance. Last evaluated: 2024-05-23. Review status: criteria provided, single submitter. Criteria: ACMG Guidelines, 2015. Collection method: clinical testing. Allele origin: germline.

Fulgent Genetics
Classification: Uncertain significance for Thrombocytopenia 2. Last evaluated: 2024-05-21. Review status: criteria provided, single submitter. Criteria: ACMG Guidelines, 2015. Collection method: clinical testing. Allele origin: germline.